The following is an entry in ClinVar:

NM_000038.6(APC):c.2563_2564del (p.Glu855fs)

Gene: APC (APC regulator of Wnt signaling pathway; plus strand). Cytogenetic location: 5q22.2.
Variant type: Microsatellite.
Coding change: c.2563_2564del on transcript NM_000038.6 (MANE Select); coding-DNA positions 2563 to 2564, 2 bases deleted (GA; older notation c.2563_2564delGA).
Protein change: p.Glu855fs; shifts the reading frame from glutamic acid 855.
Molecular consequence: frameshift variant.
Genome position (GRCh38, 1-based): chr5:112,838,157-112,838,158, GA deleted; deleting any 2 consecutive bases within chr5:112,838,151-112,838,158 gives the same sequence; the c. name uses the placement nearest the transcript's 3' end. VCF-style (leftmost placement, unchanged base first): chr5-112838150-GGA-G. GRCh37 (hg19) VCF-style: chr5-112173847-GGA-G.
Other names: c.2563_2564del, p.Glu855fs (NM_001127510.3, NM_001354895.2); c.2509_2510del, p.Glu837fs (NM_001127511.3); c.2617_2618del, p.Glu873fs (NM_001354896.2); c.2593_2594del, p.Glu865fs (NM_001354897.2); c.2488_2489del, p.Glu830fs (NM_001354898.2); c.2479_2480del, p.Glu827fs (NM_001354899.2); c.2440_2441del, p.Glu814fs (NM_001354900.2); c.2386_2387del, p.Glu796fs (NM_001354901.2); and 5 more; short protein forms E814fs, E827fs, E572fs, E695fs, E729fs, E796fs, E754fs, E855fs.
Identifiers: ClinVar variation 194584 (VCV000194584.17), dbSNP rs794727160, ClinGen allele CA007604.
Genomic context (GRCh38, chr5:112,838,150, plus strand): 5'-CAGCTCCTCTTCATCAAGAGGAAGCTTAGATAGTTCTCGTTCTGAAAAAGATAGAAGTTT[GGA>G]GAGAGAACGCGGAATTGGTCTAGGCAACTACCATCCAGCAACAGAAAATCCAGGAACTTC-3'

ClinVar aggregate classification (germline): Pathogenic. Review status: criteria provided, multiple submitters, no conflicts (2 of 4 stars). 3 submissions from 3 submitters: Pathogenic (3). Last evaluated 2020-08-01.

Conditions:
Hereditary cancer-predisposing syndrome. Also called: Hereditary neoplastic syndrome; Neoplastic Syndromes, Hereditary; Hereditary Cancer Syndrome; Tumor predisposition. Identifiers: Orphanet 140162, MedGen C0027672, MeSH D009386, MONDO:0015356.
Familial adenomatous polyposis 1 (FAP1). Also called: FAMILIAL ADENOMATOUS POLYPOSIS 1, ATTENUATED; POLYPOSIS, ADENOMATOUS INTESTINAL. Identifiers: MedGen C2713442, MONDO:0021056, OMIM 175100. Disease mechanism: loss of function.

Submissions (3):

Labcorp Genetics (formerly Invitae), Labcorp
Classification: Pathogenic for Familial adenomatous polyposis 1. Last evaluated: 2020-08-01. Review status: criteria provided, single submitter. Criteria: Invitae Variant Classification Sherloc (09022015). Collection method: clinical testing. Allele origin: germline.
Comment: This sequence change results in a premature translational stop signal in the APC gene (p.Glu855Thrfs*56). While this is not anticipated to result in nonsense mediated decay, it is expected to disrupt the last 1989 amino acids of the APC protein. This variant is not present in population databases (ExAC no frequency). This variant is expected to disrupt the EB1 and HDLG binding sites, which mediate interactions with the cytoskeleton (PMID: 15311282, 17293347). While functional studies have not been performed to directly test the effect on APC protein function, this suggests that disruption of the C-terminal portion of the protein is functionally important. This variant has been observed in individual(s) with clinical features of familial adenomatous polyposis (PMID: 20223039). A different truncation (p.Tyr2645Lysfs*14) that lies downstream of this variant has been determined to be pathogenic (PMID: 9824584, 1316610, 27081525, 8381579, 22135120, Invitae). This suggests that deletion of this region of the APC protein is causative of disease. For these reasons, this variant has been classified as Pathogenic.

Ambry Genetics
Classification: Pathogenic for Hereditary cancer-predisposing syndrome. Last evaluated: 2017-10-05. Review status: criteria provided, single submitter. Criteria: Ambry Variant Classification Scheme 2023. Collection method: clinical testing. Allele origin: germline.
Comment: The c.2563_2564delGA pathogenic mutation, located in coding exon 15 of the APC gene, results from a deletion of two nucleotides at nucleotide positions 2563 to 2564, causing a translational frameshift with a predicted alternate stop codon (p.E855Tfs*56). In addition to the clinical data presented in the literature, this alteration is expected to result in loss of function by premature protein truncation or nonsense-mediated mRNA decay. As such, this alteration is interpreted as a disease-causing mutation.

Eurofins Ntd Llc (ga)
Classification: Pathogenic. Last evaluated: 2014-11-19. Review status: criteria provided, single submitter. Criteria: EGL Classification Definitions 2015. Collection method: clinical testing. Allele origin: germline. Observed: 1 variant allele, 1 heterozygote.

Literature cited by the submitters: PubMed 15311282 (cited by Labcorp Genetics (formerly Invitae), Labcorp); PubMed 17293347 (cited by Labcorp Genetics (formerly Invitae), Labcorp); PubMed 20223039 (cited by Labcorp Genetics (formerly Invitae), Labcorp and Ambry Genetics); PubMed 9824584 (cited by Labcorp Genetics (formerly Invitae), Labcorp); PubMed 1316610 (cited by Labcorp Genetics (formerly Invitae), Labcorp); PubMed 27081525 (cited by Labcorp Genetics (formerly Invitae), Labcorp); PubMed 8381579 (cited by Labcorp Genetics (formerly Invitae), Labcorp); PubMed 22135120 (cited by Labcorp Genetics (formerly Invitae), Labcorp).